The following is an entry in ClinVar:

ClinVar aggregate classification (germline): Conflicting classifications of pathogenicity. Review status: criteria provided, conflicting classifications (1 of 4 stars). 4 submissions from 4 submitters: Uncertain significance (2); Benign (1); Likely benign (1). Last evaluated 2026-01-21.

Conditions:
Erythrocytosis, familial, 3 (ECYT3). Identifiers: Orphanet 247511, MedGen C1853286, MONDO:0012353, OMIM 609820.

Allele frequency attached by ClinVar (database versions not stated): ESP Exome Variant Server 0.00008; ExAC 0.00016; gnomAD 0.00018; 1000 Genomes Project 0.00020; gnomAD exomes 0.00020 and 0.00049; TOPMed 0.00024; 1000 Genomes Project 30x 0.00031.
gnomAD v4.1: 713 of 1,611,792 alleles (0.044%); highest among the groups gnomAD compares: Non-Finnish European, 0.059%; no homozygotes.

Submissions (4):

Labcorp Genetics (formerly Invitae), Labcorp
Classification: Uncertain significance for Erythrocytosis, familial, 3. Last evaluated: 2026-01-21. Review status: criteria provided, single submitter. Criteria: Invitae Variant Classification Sherloc (09022015). Collection method: clinical testing. Allele origin: germline.
Comment: This sequence change replaces lysine, which is basic and polar, with asparagine, which is neutral and polar, at codon 186 of the EGLN1 protein (p.Lys186Asn). This variant is present in population databases (rs201365992, gnomAD 0.04%), and has an allele count higher than expected for a pathogenic variant. This variant has not been reported in the literature in individuals affected with EGLN1-related conditions. ClinVar contains an entry for this variant (Variation ID: 465825). An algorithm developed to predict the effect of missense changes on protein structure and function outputs the following: PolyPhen-2: "Benign". The asparagine amino acid residue is found in multiple mammalian species, which suggests that this missense change does not adversely affect protein function. In summary, the available evidence is currently insufficient to determine the role of this variant in disease. Therefore, it has been classified as a Variant of Uncertain Significance.

Ambry Genetics
Classification: Likely benign. Last evaluated: 2024-12-13. Review status: criteria provided, single submitter. Criteria: Ambry Variant Classification Scheme 2023. Collection method: clinical testing. Allele origin: germline.

CeGaT Center for Human Genetics Tuebingen
Classification: Uncertain significance. Last evaluated: 2022-01-01. Review status: criteria provided, single submitter. Criteria: CeGaT Center For Human Genetics Tuebingen Variant Classification Criteria Version 2. Collection method: clinical testing. Allele origin: germline. Affected: yes. Observed: 1 variant allele.

Illumina Laboratory Services, Illumina
Classification: Benign for Erythrocytosis, familial, 3. Last evaluated: 2018-01-12. Review status: criteria provided, single submitter. Criteria: ICSL Variant Classification Criteria 13 December 2019. Collection method: clinical testing. Allele origin: germline.
Comment: This variant was observed in the ICSL laboratory as part of a predisposition screen in an ostensibly healthy population. It had not been previously curated by ICSL or reported in the Human Gene Mutation Database (HGMD: prior to June 1st, 2018), and was therefore a candidate for classification through an automated scoring system. Utilizing variant allele frequency, disease prevalence and penetrance estimates, and inheritance mode, an automated score was calculated to assess if this variant is too frequent to cause the disease. Based on the score and internal cut-off values, a variant classified as benign is not then subjected to further curation. The score for this variant resulted in a classification of benign for this disease.

NM_022051.3(EGLN1):c.558G>C (p.Lys186Asn)

Gene: EGLN1 (egl-9 family hypoxia inducible factor 1; minus strand). Cytogenetic location: 1q42.2.
Variant type: single nucleotide variant.
Coding change: c.558G>C on transcript NM_022051.3 (MANE Select); coding-DNA position 558, G replaced by C.
Protein change: p.Lys186Asn; replaces lysine 186 with asparagine.
Molecular consequence: missense variant.
Genome position (GRCh38, 1-based): chr1:231,421,331, C>G on the plus strand (G>C on the coding strand, the complement: EGLN1 is on the minus strand). VCF-style: chr1-231421331-C-G. GRCh37 (hg19) VCF-style: chr1-231557077-C-G.
Other names: c.558G>C, p.Lys186Asn (NM_001377260.1, NM_001377261.1); short protein forms K186N.
Identifiers: ClinVar variation 465825 (VCV000465825.49), dbSNP rs201365992, ClinGen allele CA1453145.